The following is an entry in ClinVar:

NM_014989.7(RIMS1):c.1531C>A (p.Pro511Thr)

Gene: RIMS1 (regulating synaptic membrane exocytosis 1; plus strand). Cytogenetic location: 6q13.
Variant type: single nucleotide variant.
Coding change: c.1531C>A on transcript NM_014989.7 (MANE Select); coding-DNA position 1531, C replaced by A.
Protein change: p.Pro511Thr; replaces proline 511 with threonine.
Molecular consequence: missense variant.
Genome position (GRCh38, 1-based): chr6:72,183,002, C>A. VCF-style: chr6-72183002-C-A. GRCh37 (hg19) VCF-style: chr6-72892705-C-A.
Other names: c.1531C>A (NM_014989.4); short protein forms P511T.
Identifiers: ClinVar variation 1497941 (VCV001497941.7), dbSNP rs769080026, ClinGen allele CA3885716.
Genomic context (GRCh38, chr6:72,183,002, plus strand): 5'-AAGGTGGAGACCATGCTGCGGAACGACTCTTTGAGCTCAGACCAGTCCGAGTCGGTGCGG[C>A]CGTCCCCGCCCAAGCCGCACCGGTCCAAGAGAGGCGGCAAGAAGCGGCAGATGTCGGTGA-3'
Protein context (NP_055804.2, residues 501-521): LSSDQSESVR[Pro511Thr]SPPKPHRSKR

ClinVar aggregate classification (germline): Uncertain significance. Review status: criteria provided, multiple submitters, no conflicts (2 of 4 stars). 2 submissions from 2 submitters: Uncertain significance (2). Last evaluated 2025-03-17.

Allele frequency attached by ClinVar (database versions not stated): gnomAD 0.00001; gnomAD exomes 0.00001; TOPMed 0.00002.
gnomAD v4.1: 16 of 1,592,680 alleles (0.001%); highest among the groups gnomAD compares: Admixed American, 0.0018%; no homozygotes.

Submissions (2):

Labcorp Genetics (formerly Invitae), Labcorp
Classification: Uncertain significance. Last evaluated: 2025-03-17. Review status: criteria provided, single submitter. Criteria: Invitae Variant Classification Sherloc (09022015). Collection method: clinical testing. Allele origin: germline.
Comment: This sequence change replaces proline, which is neutral and non-polar, with threonine, which is neutral and polar, at codon 511 of the RIMS1 protein (p.Pro511Thr). The frequency data for this variant in the population databases is considered unreliable, as metrics indicate poor data quality at this position in the gnomAD database. This variant has not been reported in the literature in individuals affected with RIMS1-related conditions. ClinVar contains an entry for this variant (Variation ID: 1497941). An algorithm developed to predict the effect of missense changes on protein structure and function (PolyPhen-2) suggests that this variant is likely to be tolerated. In summary, the available evidence is currently insufficient to determine the role of this variant in disease. Therefore, it has been classified as a Variant of Uncertain Significance.

Ambry Genetics
Classification: Uncertain significance. Last evaluated: 2025-02-26. Review status: criteria provided, single submitter. Criteria: Ambry Variant Classification Scheme 2023. Collection method: clinical testing. Allele origin: germline.